The following is an entry in ClinVar:

ClinVar aggregate classification (germline): Uncertain significance (0 of 4 stars; one submission).

Conditions:
BBS2-related disorder. Also called: BBS2-related disorders; BBS2-related condition. Identifiers: MedGen CN239228.

Submission:

PreventionGenetics, part of Exact Sciences
Classification: Uncertain significance for BBS2-related condition. Last evaluated: 2024-02-12. Review status: no assertion criteria provided. Collection method: clinical testing. Allele origin: germline.
Comment: The BBS2 c.1064A>G variant is predicted to result in the amino acid substitution p.Tyr355Cys. To our knowledge, this variant has not been reported in the literature or in a large population database, indicating this variant is rare. At this time, the clinical significance of this variant is uncertain due to the absence of conclusive functional and genetic evidence.

NM_031885.5(BBS2):c.1064A>G (p.Tyr355Cys)

Gene: BBS2 (Bardet-Biedl syndrome 2; minus strand). Cytogenetic location: 16q13.
Variant type: single nucleotide variant.
Coding change: c.1064A>G on transcript NM_031885.5 (MANE Select); coding-DNA position 1064, A replaced by G.
Protein change: p.Tyr355Cys; replaces tyrosine 355 with cysteine.
Molecular consequence: missense variant. On other transcripts: non-coding transcript variant (5).
Genome position (GRCh38, 1-based): chr16:56,502,333, T>C on the plus strand (A>G on the coding strand, the complement: BBS2 is on the minus strand). VCF-style: chr16-56502333-T-C. GRCh37 (hg19) VCF-style: chr16-56536245-T-C.
Other names: c.1064A>G, p.Tyr355Cys (NM_001377456.1); short protein forms Y355C.
Identifiers: ClinVar variation 3354076 (VCV003354076.1).